The following is an entry in ClinVar:

ClinVar aggregate classification (germline): Likely pathogenic (1 of 4 stars; one submission).

Conditions:
Predisposition to invasive fungal disease due to CARD9 deficiency (IMD103). Also called: IMMUNODEFICIENCY 103, SUSCEPTIBILITY TO FUNGAL INFECTIONS; CARD9 IMMUNODEFICIENCY; Candidiasis, familial, 2, autosomal recessive. Identifiers: Orphanet 457088, MedGen C1859353, MONDO:0008905, OMIM 212050.

Submission:

Labcorp Genetics (formerly Invitae), Labcorp
Classification: Likely pathogenic for Predisposition to invasive fungal disease due to CARD9 deficiency. Last evaluated: 2023-04-23. Review status: criteria provided, single submitter. Criteria: Invitae Variant Classification Sherloc (09022015). Collection method: clinical testing. Allele origin: unknown.
Comment: In summary, the currently available evidence indicates that the variant is pathogenic, but additional data are needed to prove that conclusively. Therefore, this variant has been classified as Likely Pathogenic. This variant has not been reported in the literature in individuals affected with CARD9-related conditions. This variant results in the deletion of exons 4-5 and part of exon 6 (c.322+69_845del) of the CARD9 gene. It is expected to disrupt RNA splicing. Variants that disrupt the donor or acceptor splice site typically lead to a loss of protein function (PMID: 16199547), and loss-of-function variants in CARD9 are known to be pathogenic (PMID: 19864672, 24131138, 24231284).

Literature cited by the submitters: PubMed 16199547; PubMed 19864672; PubMed 24131138; PubMed 24231284.

NC_000009.11:g.(?_139264852)_(139265707_?)del

Gene: CARD9 (caspase recruitment domain family member 9; minus strand). Cytogenetic location: 9q34.3.
Variant type: Deletion.
Identifiers: ClinVar variation 3245199 (VCV003245199.1).